The following is an entry in ClinVar:

NM_153033.5(KCTD7):c.334C>T (p.Arg112Cys)

Gene: KCTD7 (potassium channel tetramerization domain containing 7; plus strand). Cytogenetic location: 7q11.21.
Variant type: single nucleotide variant.
Coding change: c.334C>T on transcript NM_153033.5 (MANE Select); coding-DNA position 334, C replaced by T.
Protein change: p.Arg112Cys; replaces arginine 112 with cysteine.
Molecular consequence: missense variant.
Genome position (GRCh38, 1-based): chr7:66,638,272, C>T. VCF-style: chr7-66638272-C-T. GRCh37 (hg19) VCF-style: chr7-66103259-C-T.
Other names: c.334C>T, p.Arg112Cys (NM_001167961.2); short protein forms R112C.
Identifiers: ClinVar variation 1000932 (VCV001000932.11), dbSNP rs769991459, ClinGen allele CA4278239.

ClinVar aggregate classification (germline): Conflicting classifications of pathogenicity. Review status: criteria provided, conflicting classifications (1 of 4 stars). 2 submissions from 2 submitters: Likely pathogenic (1); Uncertain significance (1). Last evaluated 2024-03-05.

Conditions:
Progressive myoclonic epilepsy type 3. Also called: EPILEPSY, PROGRESSIVE MYOCLONIC, 3, WITHOUT INTRACELLULAR INCLUSIONS; EPILEPSY, PROGRESSIVE MYOCLONIC, 3, WITH OR WITHOUT INTRACELLULAR INCLUSIONS; CEROID LIPOFUSCINOSIS, NEURONAL, 14; KCTD7-Related Progressive Myoclonic Epilepsy. Identifiers: Orphanet 263516, MedGen C2673257, MONDO:0012721, OMIM 611726.

Allele frequency attached by ClinVar (database versions not stated): gnomAD exomes 0.00001; TOPMed 0.00001; ExAC 0.00002.
gnomAD v4.1: 19 of 1,614,208 alleles (0.0012%); highest among the groups gnomAD compares: East Asian, 0.0022%; no homozygotes.

Submissions (2):

GeneDx
Classification: Likely pathogenic. Last evaluated: 2024-03-05. Review status: criteria provided, single submitter. Criteria: GeneDx Variant Classification Process June 2021. Collection method: clinical testing. Allele origin: germline. Affected: yes.
Comment: Not observed at significant frequency in large population cohorts (gnomAD); In silico analysis supports that this missense variant has a deleterious effect on protein structure/function; This variant is associated with the following publications: (PMID: 30295347, 29930972)

Labcorp Genetics (formerly Invitae), Labcorp
Classification: Uncertain significance for Progressive myoclonic epilepsy type 3. Last evaluated: 2022-06-22. Review status: criteria provided, single submitter. Criteria: Invitae Variant Classification Sherloc (09022015). Collection method: clinical testing. Allele origin: germline.
Comment: This sequence change replaces arginine, which is basic and polar, with cysteine, which is neutral and slightly polar, at codon 112 of the KCTD7 protein (p.Arg112Cys). This variant is present in population databases (rs769991459, gnomAD 0.005%). This missense change has been observed in individual(s) with clinical features of neuronal ceroid lipofuscinosis (PMID: 30295347). ClinVar contains an entry for this variant (Variation ID: 1000932). Algorithms developed to predict the effect of missense changes on protein structure and function (SIFT, PolyPhen-2, Align-GVGD) all suggest that this variant is likely to be disruptive. In summary, the available evidence is currently insufficient to determine the role of this variant in disease. Therefore, it has been classified as a Variant of Uncertain Significance.

Literature cited by the submitters: PubMed 30295347 (cited by Labcorp Genetics (formerly Invitae), Labcorp).